The following is an entry in ClinVar:

NM_001845.6(COL4A1):c.4029G>A (p.Pro1343=)

Gene: COL4A1 (collagen type IV alpha 1 chain; minus strand). Cytogenetic location: 13q34.
Variant type: single nucleotide variant.
Coding change: c.4029G>A on transcript NM_001845.6 (MANE Select); coding-DNA position 4029, G replaced by A.
Protein change: p.Pro1343=; no amino-acid change (proline 1343 retained).
Molecular consequence: synonymous variant.
Genome position (GRCh38, 1-based): chr13:110,164,983, C>T on the plus strand (G>A on the coding strand, the complement: COL4A1 is on the minus strand). VCF-style: chr13-110164983-C-T. GRCh37 (hg19) VCF-style: chr13-110817330-C-T.
Other names: c.4029G>A (NM_001845.5).
Identifiers: ClinVar variation 1417095 (VCV001417095.32), dbSNP rs540983592, ClinGen allele CA7047038.

ClinVar aggregate classification (germline): Conflicting classifications of pathogenicity. Review status: criteria provided, conflicting classifications (1 of 4 stars). 4 submissions from 4 submitters: Uncertain significance (1); Likely benign (3). Last evaluated 2025-09-25.

Conditions:
COL4A1-related disorder. Also called: COL4A1-related disorders; COL4A1-related condition. Identifiers: MedGen CN376119, MONDO:0800461.
Autosomal dominant familial hematuria-retinal arteriolar tortuosity-contractures syndrome. Also called: Hereditary Angiopathy with Nephropathy, Aneurysms, and Muscle Cramps (HANAC) Syndrome; Angiopathy, hereditary, with nephropathy, aneurysms, and muscle cramps. Identifiers: Orphanet 73229, MedGen C2673195, MONDO:0012726, OMIM 611773.
Hemorrhage, intracerebral, susceptibility to (ICH). Also called: Stroke, hemorrhagic, susceptibility to. Identifiers: MedGen C3281105, MONDO:0100533, OMIM 614519.
Retinal arterial tortuosity. Also called: RETINAL HEMORRHAGE WITH VASCULAR TORTUOSITY; Retinal arteries, tortuosity of. Identifiers: Orphanet 75326, MedGen C0423401, MONDO:0008373, OMIM 180000, HP:0000631.
Brain small vessel disease 1 with or without ocular anomalies (BSVD1). Also called: Brain small vessel disease with or without ocular anomalies; PORENCEPHALY, TYPE 1, AUTOSOMAL DOMINANT; BRAIN SMALL VESSEL DISEASE WITH HEMORRHAGE; GOULD SYNDROME 1. Identifiers: Orphanet 2940, Orphanet 36383, Orphanet 99810, MedGen C4755307, MONDO:0008289, OMIM 175780.
Microangiopathy and leukoencephalopathy, pontine, autosomal dominant. Also called: DEMENTIA, HEREDITARY MULTI-INFARCT, SWEDISH TYPE; Pontine autosomal dominant microangiopathy with leukoencephalopathy. Identifiers: Orphanet 477749, MedGen C5231411, MONDO:0032814, OMIM 618564.

Allele frequency attached by ClinVar (database versions not stated): gnomAD 0.00003 and 0.00006; ExAC 0.00004; TOPMed 0.00004; gnomAD exomes 0.00005.
gnomAD v4.1: 46 of 1,604,500 alleles (0.0029%); highest among the groups gnomAD compares: African/African-American, 0.017%; 1 homozygote.

Submissions (4):

PreventionGenetics, part of Exact Sciences
Classification: Likely benign for COL4A1-related condition. Last evaluated: 2025-09-25. Review status: criteria provided, single submitter. Criteria: ACMG Guidelines, 2015. Collection method: clinical testing. Allele origin: germline.
Comment: This variant is classified as likely benign based on ACMG/AMP sequence variant interpretation guidelines (Richards et al. 2015 PMID: 25741868, with internal and published modifications).

Labcorp Genetics (formerly Invitae), Labcorp
Classification: Likely benign. Last evaluated: 2025-09-24. Review status: criteria provided, single submitter. Criteria: Invitae Variant Classification Sherloc (09022015). Collection method: clinical testing. Allele origin: germline.

CeGaT Center for Human Genetics Tuebingen
Classification: Likely benign. Last evaluated: 2023-07-01. Review status: criteria provided, single submitter. Criteria: CeGaT Center For Human Genetics Tuebingen Variant Classification Criteria Version 2. Collection method: clinical testing. Allele origin: germline. Affected: yes. Observed: 1 variant allele.
Comment: COL4A1: BP4, BP7

Fulgent Genetics
Classification: Uncertain significance for Brain small vessel disease 1 with or without ocular anomalies; Retinal arterial tortuosity; Autosomal dominant familial hematuria-retinal arteriolar tortuosity-contractures syndrome; Hemorrhage, intracerebral, susceptibility to; Microangiopathy and leukoencephalopathy, pontine, autosomal dominant. Last evaluated: 2022-05-07. Review status: criteria provided, single submitter. Criteria: ACMG Guidelines, 2015. Collection method: clinical testing. Allele origin: unknown.